The following is an entry in ClinVar:

ClinVar aggregate classification (germline): Pathogenic. Review status: reviewed by expert panel (3 of 4 stars). 12 submissions from 12 submitters: Pathogenic (1). 11 of the submissions do not count toward it. Last evaluated 2016-09-08.

Conditions:
Hereditary cancer-predisposing syndrome. Also called: Tumor predisposition; Neoplastic Syndromes, Hereditary; Hereditary neoplastic syndrome; Hereditary Cancer Syndrome. Identifiers: Orphanet 140162, MedGen C0027672, MeSH D009386, MONDO:0015356.
Hereditary breast ovarian cancer syndrome. Also called: Hereditary breast and ovarian cancer; Hereditary breast and ovarian cancer syndrome (HBOC); Hereditary breast and ovarian cancer syndrome; BRCA1- and BRCA2-Associated Hereditary Breast and Ovarian Cancer; Breast and ovarian cancer; Hereditary breast and/or ovarian cancer syndrome. Identifiers: Orphanet 145, MedGen C0677776, MeSH D061325, MONDO:0003582. Disease mechanism: loss of function.
Breast-ovarian cancer, familial, susceptibility to, 2 (BROVCA2). Also called: BRCA2 Hereditary Breast and Ovarian Cancer. Identifiers: Orphanet 145, MedGen C2675520, MONDO:0012933, OMIM 612555. Disease mechanism: loss of function.
Familial cancer of breast. Also called: BREAST CANCER, FAMILIAL; hereditary breast carcinoma; Hereditary breast cancer. Identifiers: Orphanet 227535, MedGen C0346153, MONDO:0016419, OMIM 114480. Disease mechanism: loss of function.

Submissions (12):

Evidence-based Network for the Interpretation of Germline Mutant Alleles (ENIGMA)
Classification: Pathogenic for Breast-ovarian cancer, familial, susceptibility to, 2. Last evaluated: 2016-09-08. Review status: reviewed by expert panel. Criteria: ENIGMA BRCA1/2 Classification Criteria (2015). Collection method: curation. Allele origin: germline.
Comment: Variant allele predicted to encode a truncated non-functional protein.

Labcorp Genetics (formerly Invitae), Labcorp
Classification: Pathogenic for Hereditary breast ovarian cancer syndrome. Last evaluated: 2025-12-14. Review status: criteria provided, single submitter. Criteria: Invitae Variant Classification Sherloc (09022015). Collection method: clinical testing. Allele origin: germline. Not counted in ClinVar's aggregate classification.
Comment: This sequence change creates a premature translational stop signal (p.Glu1608Aspfs*6) in the BRCA2 gene. It is expected to result in an absent or disrupted protein product. Loss-of-function variants in BRCA2 are known to be pathogenic (PMID: 20104584). Information on the frequency of this variant in the gnomAD database is not available, as this variant may be reported differently in the database. This premature translational stop signal has been observed in individual(s) with hereditary breast and ovarian cancer (PMID: 29339979). ClinVar contains an entry for this variant (Variation ID: 142963). For these reasons, this variant has been classified as Pathogenic.

Ambry Genetics
Classification: Pathogenic for Hereditary cancer-predisposing syndrome. Last evaluated: 2025-12-10. Review status: criteria provided, single submitter. Criteria: Ambry Variant Classification Scheme 2023. Collection method: clinical testing. Allele origin: germline. Not counted in ClinVar's aggregate classification.
Comment: The c.4821_4823delTGAinsC pathogenic mutation, located in coding exon 10 of the BRCA2 gene, results from the deletion of 3 nucleotides and insertion of one nucleotide causing a translational frameshift with a predicted alternate stop codon (p.E1608Dfs*6). This variant was reported in individual(s) with features consistent with BRCA2-related cancer predisposition (LaDuca H et al. PLoS One, 2017 Mar;12:e0170843; Lilyquist J et al. Gynecol Oncol, 2017 Nov;147:375-380; Heramb C et al. Hered Cancer Clin Pract, 2018 Jan;16:3). This variant is considered to be rare based on population cohorts in the Genome Aggregation Database (gnomAD). This alteration is expected to result in loss of function by premature protein truncation or nonsense-mediated mRNA decay. As such, this alteration is interpreted as a disease-causing mutation.

Color Diagnostics, LLC DBA Color Health
Classification: Pathogenic for Hereditary cancer-predisposing syndrome. Last evaluated: 2024-11-25. Review status: criteria provided, single submitter. Criteria: ACMG Guidelines, 2015. Collection method: clinical testing. Allele origin: germline. Not counted in ClinVar's aggregate classification.
Comment: This variant deletes 3 nucleotides and inserts 1 nucleotide in exon 11 of the BRCA2 gene, creating a frameshift and premature translation stop signal. This variant is expected to result in an absent or non-functional protein product. This variant has been reported in an individual affected with ovarian cancer (PMID: 28888541), 2 individuals affected with breast cancer (Color internal data), and in 25 families eligible for BRCA1/2 testing (PMID: 29339979). This variant has not been identified in the general population by the Genome Aggregation Database (gnomAD). Loss of BRCA2 function is a known mechanism of disease. Based on the available evidence, this variant is classified as Pathogenic.

Quest Diagnostics Nichols Institute San Juan Capistrano
Classification: Pathogenic. Last evaluated: 2024-01-11. Review status: criteria provided, single submitter. Criteria: Quest Diagnostics criteria. Collection method: clinical testing. Allele origin: unknown. Not counted in ClinVar's aggregate classification.
Comment: The BRCA2 c.4821_4823delinsC (p.Glu1608Aspfs*6) variant alters the translational reading frame of the BRCA2 mRNA and causes the premature termination of BRCA2 protein synthesis. In the published literature, this variant has been reported in an individual with ovarian cancer (PMID: 28888541 (2017)). This variant has also been identified in large BRCA1/BRCA2 screening studies (PMID: 29339979 (2018)). This variant has not been reported in large, multi-ethnic general populations (Genome Aggregation Database). Based on the available information, this variant is classified as pathogenic.

All of Us Research Program, National Institutes of Health
Classification: Pathogenic for Breast-ovarian cancer, familial, susceptibility to, 2. Last evaluated: 2023-08-28. Review status: criteria provided, single submitter. Criteria: ACMG Guidelines, 2015. Collection method: clinical testing. Allele origin: germline. Inheritance: Autosomal dominant inheritance. Observed: 2 variant alleles, 2 heterozygotes. Not counted in ClinVar's aggregate classification.
Comment: This variant deletes 3 nucleotides and inserts 1 nucleotide in exon 11 of the BRCA2 gene, creating a frameshift and premature translation stop signal. This variant is expected to result in an absent or non-functional protein product. This variant has been reported in an individual affected with ovarian cancer (PMID: 28888541), 2 individuals affected with breast cancer (Color internal data), and in 25 families eligible for BRCA1/2 testing (PMID: 29339979). This variant has not been identified in the general population by the Genome Aggregation Database (gnomAD). Loss of BRCA2 function is a known mechanism of disease. Based on the available evidence, this variant is classified as Pathogenic.

This study involves interpretation of variants in research participants for the purpose of population health screening. Participant phenotype was not available at the time of variant classification. Additional details can be found in publication PMID: 35346344, PMCID: PMC8962531

Revvity Omics, Revvity
Classification: Pathogenic. Last evaluated: 2023-08-23. Review status: criteria provided, single submitter. Criteria: ACMG Guidelines, 2015. Collection method: clinical testing. Allele origin: germline. Not counted in ClinVar's aggregate classification.

Women's Health and Genetics/Laboratory Corporation of America, LabCorp
Classification: Pathogenic for Hereditary breast ovarian cancer syndrome. Last evaluated: 2022-12-09. Review status: criteria provided, single submitter. Criteria: LabCorp Variant Classification Summary - May 2015. Collection method: clinical testing. Allele origin: germline. Not counted in ClinVar's aggregate classification.
Comment: Variant summary: BRCA2 c.4821_4823delinsC (p.Glu1608AspfsX6) results in a premature termination codon, predicted to cause a truncation of the encoded protein or absence of the protein due to nonsense mediated decay, which are commonly known mechanisms for disease. Truncations downstream of this position have been classified as pathogenic by our laboratory. The variant was absent in 250076 control chromosomes. c.4821_4823delinsC has been reported in the literature in numerous individuals affected with Hereditary Breast And Ovarian Cancer Syndrome (examples: Heramb_2018, Lilyquist_2017). To our knowledge, no experimental evidence demonstrating an impact on protein function has been reported. Seven clinical diagnostic laboratories have submitted clinical-significance assessments for this variant to ClinVar after 2014 without evidence for independent evaluation. All laboratories classified the variant as pathogenic. Based on the evidence outlined above, the variant was classified as pathogenic.

Baylor Genetics
Classification: Pathogenic for Familial cancer of breast. Last evaluated: 2022-04-28. Review status: criteria provided, single submitter. Criteria: ACMG Guidelines, 2015. Collection method: clinical testing. Allele origin: unknown. Not counted in ClinVar's aggregate classification.

GeneDx
Classification: Pathogenic. Last evaluated: 2019-11-06. Review status: criteria provided, single submitter. Criteria: GeneDx Variant Classification Process June 2021. Collection method: clinical testing. Allele origin: germline. Affected: yes. Not counted in ClinVar's aggregate classification.
Comment: Frameshift variant predicted to result in protein truncation or nonsense mediated decay in a gene for which loss-of-function is a known mechanism of disease; Not observed in large population cohorts (Lek 2016); Truncating variants in this gene are considered pathogenic by a well-established clinical consortium and/or database; Also known as 5049_5051delTGAinsC; This variant is associated with the following publications: (PMID: 28152038, 29339979, 28888541)

Department of Medical Genetics, Oslo University Hospital
Classification: Pathogenic for Breast-ovarian cancer, familial, susceptibility to, 2. Last evaluated: 2015-07-08. Review status: criteria provided, single submitter. Criteria: ACMG Guidelines, 2015. Collection method: clinical testing. Allele origin: germline. Affected: yes. Observed: 126 variant alleles. Not counted in ClinVar's aggregate classification.

Research Molecular Genetics Laboratory, Women's College Hospital, University of Toronto
Classification: Pathogenic for Hereditary breast ovarian cancer syndrome. Last evaluated: 2014-01-31. Review status: no assertion criteria provided. Collection method: research. Allele origin: germline. Affected: yes. Study: The Canadian Open Genetics Repository (COGR). Not counted in ClinVar's aggregate classification.

Literature cited by the submitters: PubMed 20104584 (cited by Labcorp Genetics (formerly Invitae), Labcorp); PubMed 29339979 (cited by 6 submitters); PubMed 28152038 (cited by Ambry Genetics and Quest Diagnostics Nichols Institute San Juan Capistrano); PubMed 28888541 (cited by 5 submitters).

NM_000059.4(BRCA2):c.4821_4823delinsC (p.Glu1608fs)

Gene: BRCA2 (BRCA2 DNA repair associated; plus strand). Cytogenetic location: 13q13.1.
Variant type: Indel.
Coding change: c.4821_4823delinsC on transcript NM_000059.4 (MANE Select); coding-DNA positions 4821 to 4823, TGA replaced by C.
Protein change: p.Glu1608fs; shifts the reading frame from glutamic acid 1608.
Molecular consequence: frameshift variant.
Genome position (GRCh38, 1-based): chr13:32,339,176-32,339,178, TGA replaced by C. VCF-style: chr13-32339176-TGA-C. GRCh37 (hg19) VCF-style: chr13-32913313-TGA-C.
Other names: c.4821_4823delTGAinsC (NM_000059.3); short protein forms E1608fs.
Identifiers: ClinVar variation 142963 (VCV000142963.31), dbSNP rs587782854, ClinGen allele CA020871.